The following is an entry in ClinVar:

ClinVar aggregate classification (germline): Uncertain significance (1 of 4 stars; one submission).

Conditions:
FBN3-related disorder. Also called: FBN3-related condition.

Submission:

PreventionGenetics, part of Exact Sciences
Classification: Uncertain significance for FBN3-related condition. Last evaluated: 2025-10-27. Review status: criteria provided, single submitter. Criteria: ACMG Guidelines, 2015. Collection method: clinical testing. Allele origin: germline.
Comment: The FBN3 c.2305G>T variant is predicted to result in premature protein termination (p.Glu769*). To our knowledge, this variant has not been reported in the literature or in a large population database (gnomAD), indicating this variant is rare. At this time, the clinical significance of this variant is uncertain due to the absence of conclusive functional and genetic evidence.

NM_032447.5(FBN3):c.2305G>T (p.Glu769Ter)

Gene: FBN3 (fibrillin 3; minus strand). Cytogenetic location: 19p13.2.
Variant type: single nucleotide variant.
Coding change: c.2305G>T on transcript NM_032447.5 (MANE Select); coding-DNA position 2305, G replaced by T.
Protein change: p.Glu769Ter; replaces glutamic acid 769 with a stop codon.
Molecular consequence: nonsense.
Genome position (GRCh38, 1-based): chr19:8,126,824, C>A on the plus strand (G>T on the coding strand, the complement: FBN3 is on the minus strand). VCF-style: chr19-8126824-C-A. GRCh37 (hg19) VCF-style: chr19-8191708-C-A.
Other names: c.2305G>T, p.Glu769Ter (NM_001321431.2); short protein forms E769*.
Identifiers: ClinVar variation 4983539 (VCV004983539.1).